The following is an entry in ClinVar:

NC_000014.8:g.(?_67147805)_(67490412_?)del

Gene: GPHN (gephyrin; plus strand). Cytogenetic location: 14q23.3.
Variant type: Deletion.
Identifiers: ClinVar variation 3243989 (VCV003243989.1).

ClinVar aggregate classification (germline): Pathogenic (1 of 4 stars; one submission).

Conditions:
Sulfite oxidase deficiency due to molybdenum cofactor deficiency type C. Also called: Molybdenum cofactor deficiency, complementation group C; Molybdenum cofactor deficiency C. Identifiers: Orphanet 308400, Orphanet 833, MedGen C1854990, MONDO:0014212, OMIM 615501.

Submission:

Labcorp Genetics (formerly Invitae), Labcorp
Classification: Pathogenic for Sulfite oxidase deficiency due to molybdenum cofactor deficiency type C. Last evaluated: 2023-09-10. Review status: criteria provided, single submitter. Criteria: Invitae Variant Classification Sherloc (09022015). Collection method: clinical testing. Allele origin: unknown.
Comment: This variant is a gross deletion of the genomic region encompassing exon(s) 2-10 of the GPHN gene. This variant would be expected to be in-frame, preserving the integrity of the reading frame. This variant has not been reported in the literature in individuals affected with GPHN-related conditions. This variant disrupts a region of the GPHN protein in which other variant(s) (p.Gly134Arg) have been determined to be pathogenic (Invitae). This suggests that this is a clinically significant region of the protein, and that variants that disrupt it are likely to be disease-causing. For these reasons, this variant has been classified as Pathogenic.